The following is an entry in ClinVar:

NM_002471.4(MYH6):c.4039G>A (p.Glu1347Lys)

Gene: MYH6 (myosin heavy chain 6; minus strand). Cytogenetic location: 14q11.2.
Variant type: single nucleotide variant.
Coding change: c.4039G>A on transcript NM_002471.4 (MANE Select); coding-DNA position 4039, G replaced by A.
Protein change: p.Glu1347Lys; replaces glutamic acid 1347 with lysine.
Molecular consequence: missense variant.
Genome position (GRCh38, 1-based): chr14:23,388,995, C>T on the plus strand (G>A on the coding strand, the complement: MYH6 is on the minus strand). VCF-style: chr14-23388995-C-T. GRCh37 (hg19) VCF-style: chr14-23858204-C-T.
Other names: short protein forms E1347K.
Identifiers: ClinVar variation 2167379 (VCV002167379.6), dbSNP rs1442784785, ClinGen allele CA389002131.
Genomic context (GRCh38, chr14:23,388,995, plus strand): 5'-TGGCCTTGGACAGGACGCGCTGCAGCTCGGCCTTGGCCTCTGTCTCCTCCTCGTACTGCT[C>T]CCGCAGCAGGTCGCAGTCATGCCGGGCCGACTGCAGTGCATGGGCCAGGGCGTTCTTCGC-3'
Protein context (NP_002462.2, residues 1337-1357): SARHDCDLLR[Glu1347Lys]QYEEETEAKA

ClinVar aggregate classification (germline): Uncertain significance. Review status: criteria provided, multiple submitters, no conflicts (2 of 4 stars). 2 submissions from 2 submitters: Uncertain significance (2). Last evaluated 2025-08-24.

Conditions:
Cardiovascular phenotype. Identifiers: MedGen CN230736.
Hypertrophic cardiomyopathy 14. Identifiers: MedGen C2750467, MONDO:0013197, OMIM 613251.

Allele frequency attached by ClinVar (database versions not stated): gnomAD 0.00001; gnomAD exomes 0.00001.

Submissions (2):

Ambry Genetics
Classification: Uncertain significance for Cardiovascular phenotype. Last evaluated: 2025-08-24. Review status: criteria provided, single submitter. Criteria: Ambry Variant Classification Scheme 2023. Collection method: clinical testing. Allele origin: germline.
Comment: The p.E1347K variant (also known as c.4039G>A), located in coding exon 27 of the MYH6 gene, results from a G to A substitution at nucleotide position 4039. The glutamic acid at codon 1347 is replaced by lysine, an amino acid with similar properties. This amino acid position is conserved. In addition, this alteration is predicted to be deleterious by in silico analysis. Based on the available evidence, the clinical significance of this variant remains unclear.

Labcorp Genetics (formerly Invitae), Labcorp
Classification: Uncertain significance for Hypertrophic cardiomyopathy 14. Last evaluated: 2025-06-15. Review status: criteria provided, single submitter. Criteria: Invitae Variant Classification Sherloc (09022015). Collection method: clinical testing. Allele origin: germline.
Comment: This sequence change replaces glutamic acid, which is acidic and polar, with lysine, which is basic and polar, at codon 1347 of the MYH6 protein (p.Glu1347Lys). This variant is present in population databases (no rsID available, gnomAD 0.009%). This variant has not been reported in the literature in individuals affected with MYH6-related conditions. ClinVar contains an entry for this variant (Variation ID: 2167379). Invitae Evidence Modeling of protein sequence and biophysical properties (such as structural, functional, and spatial information, amino acid conservation, physicochemical variation, residue mobility, and thermodynamic stability) indicates that this missense variant is not expected to disrupt MYH6 protein function with a negative predictive value of 80%. In summary, the available evidence is currently insufficient to determine the role of this variant in disease. Therefore, it has been classified as a Variant of Uncertain Significance.